The following is an entry in ClinVar:

ClinVar aggregate classification (germline): Pathogenic. Review status: criteria provided, multiple submitters, no conflicts (2 of 4 stars). 2 submissions from 2 submitters: Pathogenic (2). Last evaluated 2023-11-17.

Conditions:
Cardiovascular phenotype. Identifiers: MedGen CN230736.
Telangiectasia, hereditary hemorrhagic, type 2 (HHT2). Also called: ACVRL1-Related Hereditary Hemorrhagic Telangiectasia; Telangiectasia, hereditary hemorrhagic, type II. Identifiers: Orphanet 774, MedGen C1838163, MONDO:0010880, OMIM 600376. Disease mechanism: loss of function.

Submissions (2):

Labcorp Genetics (formerly Invitae), Labcorp
Classification: Pathogenic for Telangiectasia, hereditary hemorrhagic, type 2. Last evaluated: 2023-11-17. Review status: criteria provided, single submitter. Criteria: Invitae Variant Classification Sherloc (09022015). Collection method: clinical testing. Allele origin: germline.
Comment: This sequence change creates a premature translational stop signal (p.Ser270Argfs*30) in the ACVRL1 gene. It is expected to result in an absent or disrupted protein product. Loss-of-function variants in ACVRL1 are known to be pathogenic (PMID: 15879500). This variant is not present in population databases (gnomAD no frequency). This premature translational stop signal has been observed in individual(s) with hereditary hemorrhagic telangiectasia (Invitae). ClinVar contains an entry for this variant (Variation ID: 1452945). For these reasons, this variant has been classified as Pathogenic.

Ambry Genetics
Classification: Pathogenic for Cardiovascular phenotype. Last evaluated: 2017-01-04. Review status: criteria provided, single submitter. Criteria: Ambry Variant Classification Scheme 2023. Collection method: clinical testing. Allele origin: germline.
Comment: The c.807_810delGAGC pathogenic mutation, located in coding exon 6 of the ACVRL1 gene, results from a deletion of 4 nucleotides at nucleotide positions 807 to 810, causing a translational frameshift with a predicted alternate stop codon (p.S270Rfs*30). This alteration is expected to result in loss of function by premature protein truncation or nonsense-mediated mRNA decay. As such, this alteration is interpreted as a disease-causing mutation.

Literature cited by the submitters: PubMed 15879500 (cited by Labcorp Genetics (formerly Invitae), Labcorp); PubMed 20414677 (cited by Ambry Genetics).

NM_000020.3(ACVRL1):c.807_810del (p.Ser270fs)

Gene: ACVRL1 (activin A receptor like type 1; plus strand). Cytogenetic location: 12q13.13.
Variant type: Deletion.
Coding change: c.807_810del on transcript NM_000020.3 (MANE Select); coding-DNA positions 807 to 810, 4 bases deleted (GAGC; older notation c.807_810delGAGC).
Protein change: p.Ser270fs; shifts the reading frame from serine 270.
Molecular consequence: frameshift variant.
Genome position (GRCh38, 1-based): chr12:51,915,259-51,915,262, GAGC deleted; deleting any 4 consecutive bases within chr12:51,915,258-51,915,262 gives the same sequence; the c. name uses the placement nearest the transcript's 3' end. VCF-style (leftmost placement, unchanged base first): chr12-51915257-TCGAG-T. GRCh37 (hg19) VCF-style: chr12-52309041-TCGAG-T.
Other names: c.807_810del, p.Ser270fs (NM_001077401.2); short protein forms S270fs.
Identifiers: ClinVar variation 1452945 (VCV001452945.8), dbSNP rs2139072772, ClinGen allele CA2573148782.
Genomic context (GRCh38, chr12:51,915,257, plus strand): 5'-CTGAGTCACCCAACCTTTCTGCACACAGGCTTCATCGCCTCAGACATGACCTCCCGCAAC[TCGAG>T]CACGCAGCTGTGGCTCATCACGCACTACCACGAGCACGGCTCCCTCTACGACTTTCTGCA-3'